The following is an entry in ClinVar:

ClinVar aggregate classification (germline): Uncertain significance (1 of 4 stars; one submission).

Conditions:
Glycine encephalopathy. Also called: Nonketotic hyperglycinemia; Non-ketotic hyperglycinemia. Identifiers: Orphanet 407, MedGen C0751748, MONDO:0011612, HP:0008288.

gnomAD v4.1: 1 of 1,612,278 alleles (0.000062%); highest among the groups gnomAD compares: Non-Finnish European, 0.000085%; no homozygotes.

Submission:

Labcorp Genetics (formerly Invitae), Labcorp
Classification: Uncertain significance for Glycine encephalopathy. Last evaluated: 2021-08-11. Review status: criteria provided, single submitter. Criteria: Invitae Variant Classification Sherloc (09022015). Collection method: clinical testing. Allele origin: germline.
Comment: This sequence change replaces valine with phenylalanine at codon 1007 of the GLDC protein (p.Val1007Phe). The valine residue is moderately conserved and there is a small physicochemical difference between valine and phenylalanine. This variant is not present in population databases (ExAC no frequency). This variant has not been reported in the literature in individuals affected with GLDC-related conditions. Advanced modeling of protein sequence and biophysical properties (such as structural, functional, and spatial information, amino acid conservation, physicochemical variation, residue mobility, and thermodynamic stability) performed at Invitae indicates that this missense variant is not expected to disrupt GLDC protein function. In summary, the available evidence is currently insufficient to determine the role of this variant in disease. Therefore, it has been classified as a Variant of Uncertain Significance.

NM_000170.3(GLDC):c.3019G>T (p.Val1007Phe)

Gene: GLDC (glycine decarboxylase; minus strand). Cytogenetic location: 9p24.1.
Variant type: single nucleotide variant.
Coding change: c.3019G>T on transcript NM_000170.3 (MANE Select); coding-DNA position 3019, G replaced by T.
Protein change: p.Val1007Phe; replaces valine 1007 with phenylalanine.
Molecular consequence: missense variant.
Genome position (GRCh38, 1-based): chr9:6,533,061, C>A on the plus strand (G>T on the coding strand, the complement: GLDC is on the minus strand). VCF-style: chr9-6533061-C-A. GRCh37 (hg19) VCF-style: chr9-6533061-C-A.
Other names: short protein forms V1007F.
Identifiers: ClinVar variation 1374314 (VCV001374314.4), dbSNP rs112299567, ClinGen allele CA372881578.